The following is an entry in ClinVar:

NM_000059.4(BRCA2):c.4123G>T (p.Glu1375Ter)

Gene: BRCA2 (BRCA2 DNA repair associated; plus strand). Cytogenetic location: 13q13.1.
Variant type: single nucleotide variant.
Coding change: c.4123G>T on transcript NM_000059.4 (MANE Select); coding-DNA position 4123, G replaced by T.
Protein change: p.Glu1375Ter; replaces glutamic acid 1375 with a stop codon.
Molecular consequence: nonsense. On other transcripts: non-coding transcript variant (1), intron variant (2).
Genome position (GRCh38, 1-based): chr13:32,338,478, G>T. VCF-style: chr13-32338478-G-T. GRCh37 (hg19) VCF-style: chr13-32912615-G-T.
Other names: c.4123G>T, p.Glu1375Ter (NM_001406719.1, NM_001406720.1, NM_001432077.1); c.1909+5091G>T (NM_001406721.1); c.425-6080G>T (NM_001406722.1); short protein forms E1375*.
Identifiers: ClinVar variation 3701546 (VCV003701546.3).

ClinVar aggregate classification (germline): Pathogenic. Review status: criteria provided, multiple submitters, no conflicts (2 of 4 stars). 2 submissions from 2 submitters: Pathogenic (2). Last evaluated 2025-06-12.

Conditions:
Hereditary breast ovarian cancer syndrome. Also called: BRCA1- and BRCA2-Associated Hereditary Breast and Ovarian Cancer; Breast and ovarian cancer; Hereditary breast and ovarian cancer; Hereditary breast and ovarian cancer syndrome (HBOC); Hereditary breast and ovarian cancer syndrome; Hereditary breast and/or ovarian cancer syndrome. Identifiers: Orphanet 145, MedGen C0677776, MeSH D061325, MONDO:0003582. Disease mechanism: loss of function.
Hereditary cancer-predisposing syndrome. Also called: Tumor predisposition; Neoplastic Syndromes, Hereditary; Hereditary Cancer Syndrome; Hereditary neoplastic syndrome. Identifiers: Orphanet 140162, MedGen C0027672, MeSH D009386, MONDO:0015356.

Submissions (2):

Ambry Genetics
Classification: Pathogenic for Hereditary cancer-predisposing syndrome. Last evaluated: 2025-06-12. Review status: criteria provided, single submitter. Criteria: Ambry Variant Classification Scheme 2023. Collection method: clinical testing. Allele origin: germline.
Comment: The p.E1375* pathogenic mutation (also known as c.4123G>T), located in coding exon 10 of the BRCA2 gene, results from a G to T substitution at nucleotide position 4123. This changes the amino acid from a glutamic acid to a stop codon within coding exon 10. This variant is considered to be rare based on population cohorts in the Genome Aggregation Database (gnomAD). This alteration is expected to result in loss of function by premature protein truncation or nonsense-mediated mRNA decay. As such, this alteration is interpreted as a disease-causing mutation.

Labcorp Genetics (formerly Invitae), Labcorp
Classification: Pathogenic for Hereditary breast ovarian cancer syndrome. Last evaluated: 2024-10-06. Review status: criteria provided, single submitter. Criteria: Invitae Variant Classification Sherloc (09022015). Collection method: clinical testing. Allele origin: germline.
Comment: This sequence change creates a premature translational stop signal (p.Glu1375*) in the BRCA2 gene. It is expected to result in an absent or disrupted protein product. Loss-of-function variants in BRCA2 are known to be pathogenic (PMID: 20104584). This variant is not present in population databases (gnomAD no frequency). This variant has not been reported in the literature in individuals affected with BRCA2-related conditions. For these reasons, this variant has been classified as Pathogenic.

Literature cited by the submitters: PubMed 20104584 (cited by Labcorp Genetics (formerly Invitae), Labcorp).